The following is an entry in ClinVar:

ClinVar aggregate classification (germline): Uncertain significance (1 of 4 stars; one submission).

gnomAD v4.1: 20 of 1,603,888 alleles (0.0012%); highest among the groups gnomAD compares: Non-Finnish European, 0.0014%; no homozygotes.

Submission:

Labcorp Genetics (formerly Invitae), Labcorp
Classification: Uncertain significance. Last evaluated: 2024-10-09. Review status: criteria provided, single submitter. Criteria: Invitae Variant Classification Sherloc (09022015). Collection method: clinical testing. Allele origin: germline.
Comment: This sequence change replaces glutamic acid, which is acidic and polar, with lysine, which is basic and polar, at codon 1358 of the NIN protein (p.Glu1358Lys). This variant is present in population databases (rs760381596, gnomAD 0.003%). This variant has not been reported in the literature in individuals affected with NIN-related conditions. An algorithm developed to predict the effect of missense changes on protein structure and function outputs the following: PolyPhen-2: "Benign". The lysine amino acid residue is found in multiple mammalian species, which suggests that this missense change does not adversely affect protein function. In summary, the available evidence is currently insufficient to determine the role of this variant in disease. Therefore, it has been classified as a Variant of Uncertain Significance.

NM_020921.4(NIN):c.4072G>A (p.Glu1358Lys)

Gene: NIN (ninein; minus strand). Cytogenetic location: 14q22.1.
Variant type: single nucleotide variant.
Coding change: c.4072G>A on transcript NM_020921.4 (MANE Select); coding-DNA position 4072, G replaced by A.
Protein change: p.Glu1358Lys; replaces glutamic acid 1358 with lysine.
Molecular consequence: missense variant. On other transcripts: intron variant (1).
Genome position (GRCh38, 1-based): chr14:50,756,958, C>T on the plus strand (G>A on the coding strand, the complement: NIN is on the minus strand). VCF-style: chr14-50756958-C-T. GRCh37 (hg19) VCF-style: chr14-51223676-C-T.
Other names: c.4072G>A, p.Glu1358Lys (NM_182944.3, NM_182946.2); c.2400-2091G>A (NM_016350.5); short protein forms E1358K.
Identifiers: ClinVar variation 3613783 (VCV003613783.2).
Genomic context (GRCh38, chr14:50,756,958, plus strand): 5'-TAACCCTGGGCACACACTCTTCCAGTGTCTGATTGAGCTGGAGTATATTTCCATCAGGTT[C>T]GATTTCCAGGTTCTCTAAACTGGCTTCCCATAAGCAGCAGTCACACCGCTGGACCACGCT-3'
Protein context (NP_065972.4, residues 1348-1368): WEASLENLEI[Glu1358Lys]PDGNILQLNQ